The following is an entry in ClinVar:

NM_005732.4(RAD50):c.3311A>G (p.Tyr1104Cys)

Gene: RAD50 (RAD50 double strand break repair protein; plus strand). Cytogenetic location: 5q31.1.
Variant type: single nucleotide variant.
Coding change: c.3311A>G on transcript NM_005732.4 (MANE Select); coding-DNA position 3311, A replaced by G.
Protein change: p.Tyr1104Cys; replaces tyrosine 1104 with cysteine.
Molecular consequence: missense variant.
Genome position (GRCh38, 1-based): chr5:132,618,216, A>G. VCF-style: chr5-132618216-A-G. GRCh37 (hg19) VCF-style: chr5-131953908-A-G.
Other names: short protein forms Y1104C.
Identifiers: ClinVar variation 582497 (VCV000582497.18), dbSNP rs1561650887, ClinGen allele CA360964819.

ClinVar aggregate classification (germline): Uncertain significance. Review status: criteria provided, multiple submitters, no conflicts (2 of 4 stars). 3 submissions from 3 submitters: Uncertain significance (3). Last evaluated 2025-06-22.

Conditions:
Hereditary cancer-predisposing syndrome. Also called: Neoplastic Syndromes, Hereditary; Hereditary Cancer Syndrome; Tumor predisposition; Hereditary neoplastic syndrome. Identifiers: Orphanet 140162, MedGen C0027672, MeSH D009386, MONDO:0015356.
Nijmegen breakage syndrome-like disorder (NBSLD). Also called: MICROCEPHALY AND SPONTANEOUS CHROMOSOME INSTABILITY WITHOUT IMMUNODEFICIENCY; NBS-LIKE DISORDER; RAD50 DEFICIENCY. Identifiers: Orphanet 240760, MedGen C2751318, MONDO:0013118, OMIM 613078.

Submissions (3):

Ambry Genetics
Classification: Uncertain significance for Hereditary cancer-predisposing syndrome. Last evaluated: 2025-06-22. Review status: criteria provided, single submitter. Criteria: Ambry Variant Classification Scheme 2023. Collection method: clinical testing. Allele origin: germline.
Comment: The p.Y1104C variant (also known as c.3311A>G), located in coding exon 21 of the RAD50 gene, results from an A to G substitution at nucleotide position 3311. The tyrosine at codon 1104 is replaced by cysteine, an amino acid with highly dissimilar properties. This alteration was reported in a study of 1297 cases of early-onset breast cancer and 1121 controls (Young EL et al. J Med Genet, 2016 Jun;53:366-76). This amino acid position is well conserved in available vertebrate species. In addition, the in silico prediction for this alteration is inconclusive. Since supporting evidence is limited at this time, the clinical significance of this alteration remains unclear.

Labcorp Genetics (formerly Invitae), Labcorp
Classification: Uncertain significance for Hereditary cancer-predisposing syndrome. Last evaluated: 2023-07-08. Review status: criteria provided, single submitter. Criteria: Invitae Variant Classification Sherloc (09022015). Collection method: clinical testing. Allele origin: germline.
Comment: ClinVar contains an entry for this variant (Variation ID: 582497). This variant has not been reported in the literature in individuals affected with RAD50-related conditions. This variant is not present in population databases (gnomAD no frequency). This sequence change replaces tyrosine, which is neutral and polar, with cysteine, which is neutral and slightly polar, at codon 1104 of the RAD50 protein (p.Tyr1104Cys). In summary, the available evidence is currently insufficient to determine the role of this variant in disease. Therefore, it has been classified as a Variant of Uncertain Significance. Advanced modeling of protein sequence and biophysical properties (such as structural, functional, and spatial information, amino acid conservation, physicochemical variation, residue mobility, and thermodynamic stability) performed at Invitae indicates that this missense variant is expected to disrupt RAD50 protein function.

Baylor Genetics
Classification: Uncertain significance for Nijmegen breakage syndrome-like disorder. Last evaluated: 2023-06-22. Review status: criteria provided, single submitter. Criteria: ACMG Guidelines, 2015. Collection method: clinical testing. Allele origin: unknown.

Literature cited by the submitters: PubMed 26787654 (cited by Ambry Genetics).